The following is an entry in ClinVar:

NC_000016.9:g.74808537G>T

Genes: FA2H (fatty acid 2-hydroxylase; minus strand), LOC130059394 (ATAC-STARR-seq lymphoblastoid silent region 7701; plus strand). Cytogenetic location: 16q23.1.
Variant type: single nucleotide variant.
Molecular consequence: missense variant (on NM_024306.5).
Genome position: GRCh38 VCF-style: chr16-74774639-G-T. GRCh37 (hg19) VCF-style: chr16-74808537-G-T.
Other names: c.117C>A, p.Phe39Leu (NM_024306.5); short protein forms F39L.
Identifiers: ClinVar variation 242579 (VCV000242579.7), dbSNP rs794729215, ClinGen allele CA052525.
Genomic context (GRCh38, chr16:74,774,639, plus strand): 5'-GCTGATGTCCTGGCCCGCCCTGGCCCGCAGCAGCTGCTCGCCCCCCGGGTGGTGCCGCAC[G>T]AAGCTGGAGAGGTCGTAGAGGCGGGCCCCGCGGCGGACCCAGCACGCGCCGGCCGCCAGG-3'

ClinVar aggregate classification (germline): Pathogenic (1 of 4 stars; one submission).

Conditions:
Spastic paraplegia. Identifiers: MedGen C0037772, HP:0001258.

gnomAD v4.1: 1 of 1,491,030 alleles (0.000067%); highest among the groups gnomAD compares: Non-Finnish European, 0.000089%; no homozygotes.

Submission:

Labcorp Genetics (formerly Invitae), Labcorp
Classification: Pathogenic for Spastic paraplegia. Last evaluated: 2022-05-05. Review status: criteria provided, single submitter. Criteria: Invitae Variant Classification Sherloc (09022015). Collection method: clinical testing. Allele origin: germline.
Comment: For these reasons, this variant has been classified as Pathogenic. Algorithms developed to predict the effect of sequence changes on RNA splicing suggest that this variant may create or strengthen a splice site. Advanced modeling of protein sequence and biophysical properties (such as structural, functional, and spatial information, amino acid conservation, physicochemical variation, residue mobility, and thermodynamic stability) performed at Invitae indicates that this missense variant is expected to disrupt FA2H protein function. ClinVar contains an entry for this variant (Variation ID: 242579). This missense change has been observed in individual(s) with brain iron accumulation and/or hereditary spastic paraplegia (PMID: 25732363; Invitae). In at least one individual the data is consistent with being in trans (on the opposite chromosome) from a pathogenic variant. This variant is not present in population databases (gnomAD no frequency). This sequence change replaces phenylalanine, which is neutral and non-polar, with leucine, which is neutral and non-polar, at codon 39 of the FA2H protein (p.Phe39Leu).

Literature cited by the submitters: PubMed 25732363.